The following is an entry in ClinVar:

NM_001387430.1(SH2B1):c.2013C>T (p.Ala671=)

Gene: SH2B1 (SH2B adaptor protein 1; plus strand). Cytogenetic location: 16p11.2.
Variant type: single nucleotide variant.
Coding change: c.2013C>T on transcript NM_001387430.1 (MANE Select); coding-DNA position 2013, C replaced by T.
Protein change: p.Ala671=; no amino-acid change (alanine 671 retained).
Molecular consequence: synonymous variant. On other transcripts: 3 prime UTR variant (5).
Genome position (GRCh38, 1-based): chr16:28,873,562, C>T. VCF-style: chr16-28873562-C-T. GRCh37 (hg19) VCF-style: chr16-28884883-C-T.
Other names: c.2013C>T, p.Ala671= (NM_001145795.2, NM_001308293.2, NM_001387404.1); c.*97C>T (NM_001145796.2, NM_001145812.2, NM_001308294.2 and 1 more transcripts); c.*114C>T (NM_001145797.2).
Identifiers: ClinVar variation 3351833 (VCV003351833.1).

ClinVar aggregate classification (germline): Likely benign (0 of 4 stars; one submission).

Conditions:
SH2B1-related disorder. Also called: SH2B1-related condition.

gnomAD v4.1: 19 of 1,597,754 alleles (0.0012%); highest among the groups gnomAD compares: South Asian, 0.0022%; no homozygotes.

Submission:

PreventionGenetics, part of Exact Sciences
Classification: Likely benign for SH2B1-related condition. Last evaluated: 2024-01-02. Review status: no assertion criteria provided. Collection method: clinical testing. Allele origin: germline.
Comment: This variant is classified as likely benign based on ACMG/AMP sequence variant interpretation guidelines (Richards et al. 2015 PMID: 25741868, with internal and published modifications).